The following is an entry in ClinVar:

ClinVar aggregate classification (germline): Uncertain significance (1 of 4 stars; one submission).

Conditions:
Progressive sclerosing poliodystrophy (MTDPS4A). Also called: NEURONAL DEGENERATION OF CHILDHOOD WITH LIVER DISEASE, PROGRESSIVE; Alpers Syndrome; Alpers-Huttenlocher Syndrome (AHS); ALPERS PROGRESSIVE INFANTILE POLIODYSTROPHY; Mitochondrial DNA Depletion Syndrome 4A; ALPERS DIFFUSE DEGENERATION OF CEREBRAL GRAY MATTER WITH HEPATIC CIRRHOSIS. Identifiers: Orphanet 726, MedGen C0205710, MONDO:0008758, OMIM 203700.

Submission:

Labcorp Genetics (formerly Invitae), Labcorp
Classification: Uncertain significance for Progressive sclerosing poliodystrophy. Last evaluated: 2020-01-22. Review status: criteria provided, single submitter. Criteria: Invitae Variant Classification Sherloc (09022015). Collection method: clinical testing. Allele origin: germline.
Comment: This variant is a gross deletion of the genomic region encompassing exon 23 of the POLG gene. The 5' boundary is likely confined to intron 22. The 3' end of this event is unknown as it extends through the termination codon beyond the assayed region for this gene and may encompass additional genes. While this deletion is not anticipated to result in nonsense mediated decay, it is expected to create a truncated protein product or disrupt mRNA translation. This variant has not been reported in the literature in individuals with POLG-related conditions. Experimental studies and prediction algorithms are not available for this variant, and the functional significance of the affected amino acid(s) is currently unknown. In summary, the available evidence is currently insufficient to determine the role of this variant in disease. Therefore, it has been classified as a Variant of Uncertain Significance.

NC_000015.10:g.(?_89316731)_(89316847_?)del

Genes: FANCI (FA complementation group I; plus strand), POLG (DNA polymerase gamma, catalytic subunit; minus strand). Cytogenetic location: 15q26.1.
Variant type: Deletion.
Identifiers: ClinVar variation 831259 (VCV000831259.6).